The following is an entry in ClinVar:

NM_001382567.1(STIM1):c.1688G>A (p.Arg563His)

Gene: STIM1 (stromal interaction molecule 1; plus strand). Cytogenetic location: 11p15.4.
Variant type: single nucleotide variant.
Coding change: c.1688G>A on transcript NM_001382567.1 (MANE Select); coding-DNA position 1688, G replaced by A.
Protein change: p.Arg563His; replaces arginine 563 with histidine.
Molecular consequence: missense variant. On other transcripts: non-coding transcript variant (3), 3 prime UTR variant (4).
Genome position (GRCh38, 1-based): chr11:4,091,335, G>A. VCF-style: chr11-4091335-G-A. GRCh37 (hg19) VCF-style: chr11-4112565-G-A.
Other names: c.1691G>A, p.Arg564His (NM_001382566.1); c.1616G>A, p.Arg539His (NM_001382568.1); c.1460G>A, p.Arg487His (NM_001382569.1); c.1367G>A, p.Arg456His (NM_001382570.1); c.1115G>A, p.Arg372His (NM_001382571.1); c.1373G>A, p.Arg458His (NM_001382575.1, NM_001382576.1, NM_001382577.1); c.*9G>A (NM_001382578.1, NM_001382579.1, NM_001382580.1 and 1 more transcripts); c.1106G>A, p.Arg369His (NM_001382581.1); and 2 more; short protein forms R532H, R564H, R638H, R369H, R456H, R487H, R372H, R458H.
Identifiers: ClinVar variation 1498126 (VCV001498126.5), dbSNP rs771442242, ClinGen allele CA5830591.

ClinVar aggregate classification (germline): Uncertain significance (1 of 4 stars; one submission).

Conditions:
Stormorken syndrome (STRMK). Also called: THROMBOCYTOPATHY, ASPLENIA, AND MIOSIS. Identifiers: Orphanet 3204, MedGen C1861451, MONDO:0008497, OMIM 185070.
Myopathy with tubular aggregates (TAM). Also called: Tubular Aggregate Myopathy. Identifiers: Orphanet 2593, MedGen C0410207, MONDO:0008051.
Combined immunodeficiency due to STIM1 deficiency. Also called: IMMUNODEFICIENCY 10; STIM1 DEFICIENCY. Identifiers: Orphanet 169090, Orphanet 317430, MedGen C2748557, MONDO:0013008, OMIM 612783.

Allele frequency attached by ClinVar (database versions not stated): gnomAD exomes 0.00001; TOPMed 0.00001; ExAC 0.00001; gnomAD 0.00001.
gnomAD v4.1: 14 of 1,613,934 alleles (0.00087%); highest among the groups gnomAD compares: East Asian, 0.0045%; no homozygotes.

Submission:

Labcorp Genetics (formerly Invitae), Labcorp
Classification: Uncertain significance for Myopathy with tubular aggregates; Combined immunodeficiency due to STIM1 deficiency; Stormorken syndrome. Last evaluated: 2024-12-24. Review status: criteria provided, single submitter. Criteria: Invitae Variant Classification Sherloc (09022015). Collection method: clinical testing. Allele origin: germline.
Comment: This sequence change replaces arginine, which is basic and polar, with histidine, which is basic and polar, at codon 532 of the STIM1 protein (p.Arg532His). This variant is present in population databases (rs771442242, gnomAD 0.002%). This variant has not been reported in the literature in individuals affected with STIM1-related conditions. ClinVar contains an entry for this variant (Variation ID: 1498126). Invitae Evidence Modeling of protein sequence and biophysical properties (such as structural, functional, and spatial information, amino acid conservation, physicochemical variation, residue mobility, and thermodynamic stability) has been performed for this missense variant. However, the output from this modeling did not meet the statistical confidence thresholds required to predict the impact of this variant on STIM1 protein function. In summary, the available evidence is currently insufficient to determine the role of this variant in disease. Therefore, it has been classified as a Variant of Uncertain Significance.